The following is an entry in ClinVar:

NM_000921.5(PDE3A):c.1898G>T (p.Ser633Ile)

Gene: PDE3A (phosphodiesterase 3A; plus strand). Cytogenetic location: 12p12.2.
Variant type: single nucleotide variant.
Coding change: c.1898G>T on transcript NM_000921.5 (MANE Select); coding-DNA position 1898, G replaced by T.
Protein change: p.Ser633Ile; replaces serine 633 with isoleucine.
Molecular consequence: missense variant.
Genome position (GRCh38, 1-based): chr12:20,634,953, G>T. VCF-style: chr12-20634953-G-T. GRCh37 (hg19) VCF-style: chr12-20787887-G-T.
Other names: c.932G>T, p.Ser311Ile (NM_001244683.2, NM_001378409.1); c.1592G>T, p.Ser531Ile (NM_001378407.1); c.935G>T, p.Ser312Ile (NM_001378408.1); short protein forms S633I, S531I, S311I, S312I.
Identifiers: ClinVar variation 2056916 (VCV002056916.6), dbSNP rs769669535, ClinGen allele CA6473893.

ClinVar aggregate classification (germline): Uncertain significance. Review status: criteria provided, multiple submitters, no conflicts (2 of 4 stars). 3 submissions from 3 submitters: Uncertain significance (3). Last evaluated 2026-03-22.

Conditions:
PDE3A-related disorder. Also called: PDE3A-related condition.
Inborn genetic diseases. Identifiers: MedGen C0950123, MeSH D030342.

Allele frequency attached by ClinVar (database versions not stated): ExAC 0.00007; gnomAD 0.00009; TOPMed 0.00022.
gnomAD v4.1: 87 of 1,607,112 alleles (0.0054%); highest among the groups gnomAD compares: Admixed American, 0.035%; no homozygotes.

Submissions (3):

PreventionGenetics, part of Exact Sciences
Classification: Uncertain significance for PDE3A-related condition. Last evaluated: 2026-03-22. Review status: criteria provided, single submitter. Criteria: ACMG Guidelines, 2015. Collection method: clinical testing. Allele origin: germline.
Comment: The PDE3A c.1898G>T variant is predicted to result in the amino acid substitution p.Ser633Ile. To our knowledge, this variant has not been reported in the literature. This variant is reported in 0.031% of alleles in individuals of Latino descent in gnomAD. Although we suspect that this variant may be benign, at this time, the clinical significance of this variant is uncertain due to the absence of conclusive functional and genetic evidence.

Labcorp Genetics (formerly Invitae), Labcorp
Classification: Uncertain significance. Last evaluated: 2025-07-13. Review status: criteria provided, single submitter. Criteria: Invitae Variant Classification Sherloc (09022015). Collection method: clinical testing. Allele origin: germline.
Comment: This sequence change replaces serine, which is neutral and polar, with isoleucine, which is neutral and non-polar, at codon 633 of the PDE3A protein (p.Ser633Ile). This variant is present in population databases (rs769669535, gnomAD 0.03%), and has an allele count higher than expected for a pathogenic variant. This variant has not been reported in the literature in individuals affected with PDE3A-related conditions. ClinVar contains an entry for this variant (Variation ID: 2056916). An algorithm developed to predict the effect of missense changes on protein structure and function (PolyPhen-2) suggests that this variant is likely to be disruptive. In summary, the available evidence is currently insufficient to determine the role of this variant in disease. Therefore, it has been classified as a Variant of Uncertain Significance.

Ambry Genetics
Classification: Uncertain significance for Inborn genetic diseases. Last evaluated: 2021-07-20. Review status: criteria provided, single submitter. Criteria: Ambry Variant Classification Scheme 2023. Collection method: clinical testing. Allele origin: germline.